The following is an entry in ClinVar:

NM_000059.4(BRCA2):c.6268C>G (p.His2090Asp)

Gene: BRCA2 (BRCA2 DNA repair associated; plus strand). Cytogenetic location: 13q13.1.
Variant type: single nucleotide variant.
Coding change: c.6268C>G on transcript NM_000059.4 (MANE Select); coding-DNA position 6268, C replaced by G.
Protein change: p.His2090Asp; replaces histidine 2090 with aspartic acid.
Molecular consequence: missense variant.
Genome position (GRCh38, 1-based): chr13:32,340,623, C>G. VCF-style: chr13-32340623-C-G. GRCh37 (hg19) VCF-style: chr13-32914760-C-G.
Other names: c.6268C>G (NM_000059.3); short protein forms H2090D.
Identifiers: ClinVar variation 1507897 (VCV001507897.10), dbSNP rs1405631299, ClinGen allele CA387788966.
Genomic context (GRCh38, chr13:32,340,623, plus strand): 5'-GAAAGTTCCTTACACAAAGTTAAGGGAGTGTTAGAGGAATTTGATTTAATCAGAACTGAG[C>G]ATAGTCTTCACTATTCACCTACGTCTAGACAAAATGTATCAAAAATACTTCCTCGTGTTG-3'
Protein context (NP_000050.3, residues 2080-2100): LEEFDLIRTE[His2090Asp]SLHYSPTSRQ

ClinVar aggregate classification (germline): Conflicting classifications of pathogenicity. Review status: criteria provided, conflicting classifications (1 of 4 stars). 3 submissions from 3 submitters: Uncertain significance (2); Likely benign (1). Last evaluated 2023-12-29.

Conditions:
Hereditary cancer-predisposing syndrome. Also called: Hereditary neoplastic syndrome; Neoplastic Syndromes, Hereditary; Tumor predisposition; Hereditary Cancer Syndrome. Identifiers: Orphanet 140162, MedGen C0027672, MeSH D009386, MONDO:0015356.
Hereditary breast ovarian cancer syndrome. Also called: BRCA1- and BRCA2-Associated Hereditary Breast and Ovarian Cancer; Hereditary breast and ovarian cancer; Hereditary breast and/or ovarian cancer syndrome; Hereditary breast and ovarian cancer syndrome (HBOC); Breast and ovarian cancer; Hereditary breast and ovarian cancer syndrome. Identifiers: Orphanet 145, MedGen C0677776, MeSH D061325, MONDO:0003582. Disease mechanism: loss of function.

Allele frequency attached by ClinVar (database versions not stated): TOPMed below 0.00001.

Submissions (3):

Ambry Genetics
Classification: Uncertain significance for Hereditary cancer-predisposing syndrome. Last evaluated: 2023-12-29. Review status: criteria provided, single submitter. Criteria: Ambry Variant Classification Scheme 2023. Collection method: clinical testing. Allele origin: germline.
Comment: The p.H2090D variant (also known as c.6268C>G), located in coding exon 10 of the BRCA2 gene, results from a C to G substitution at nucleotide position 6268. The histidine at codon 2090 is replaced by aspartic acid, an amino acid with similar properties. This amino acid position is conserved. In addition, this alteration is predicted to be tolerated by in silico analysis. Since supporting evidence is limited at this time, the clinical significance of this alteration remains unclear.

Labcorp Genetics (formerly Invitae), Labcorp
Classification: Uncertain significance for Hereditary breast ovarian cancer syndrome. Last evaluated: 2023-08-17. Review status: criteria provided, single submitter. Criteria: Invitae Variant Classification Sherloc (09022015). Collection method: clinical testing. Allele origin: germline.
Comment: Advanced modeling of protein sequence and biophysical properties (such as structural, functional, and spatial information, amino acid conservation, physicochemical variation, residue mobility, and thermodynamic stability) performed at Invitae indicates that this missense variant is not expected to disrupt BRCA2 protein function. In summary, the available evidence is currently insufficient to determine the role of this variant in disease. Therefore, it has been classified as a Variant of Uncertain Significance. ClinVar contains an entry for this variant (Variation ID: 1507897). This variant has not been reported in the literature in individuals affected with BRCA2-related conditions. This variant is not present in population databases (gnomAD no frequency). This sequence change replaces histidine, which is basic and polar, with aspartic acid, which is acidic and polar, at codon 2090 of the BRCA2 protein (p.His2090Asp).

University of Washington Department of Laboratory Medicine, University of Washington
Classification: Likely benign for Hereditary cancer-predisposing syndrome. Last evaluated: 2023-03-23. Review status: criteria provided, single submitter. Criteria: Dines et al. (Genet Med. 2020). Collection method: curation. Allele origin: germline.
Comment: Missense variant in a coldspot region where missense variants are very unlikely to be pathogenic (PMID:31911673).

BRCA2 exon 11 coldspot. Reclassification based on statistical prior probability.